The following is an entry in ClinVar:

NM_003384.3(VRK1):c.1069-9A>G

Gene: VRK1 (VRK serine/threonine kinase 1; plus strand). Cytogenetic location: 14q32.2.
Variant type: single nucleotide variant.
Coding change: c.1069-9A>G on transcript NM_003384.3 (MANE Select); 9 bases into the intron before coding-DNA position 1069, A replaced by G.
Molecular consequence: intron variant.
Genome position (GRCh38, 1-based): chr14:96,876,021, A>G. VCF-style: chr14-96876021-A-G. GRCh37 (hg19) VCF-style: chr14-97342358-A-G.
Identifiers: ClinVar variation 315124 (VCV000315124.35), dbSNP rs767585930, ClinGen allele CA7339186.

ClinVar aggregate classification (germline): Conflicting classifications of pathogenicity. Review status: criteria provided, conflicting classifications (1 of 4 stars). 5 submissions from 5 submitters: Uncertain significance (1); Likely benign (3). 1 of the submissions does not count toward it. Last evaluated 2026-01-19.

Conditions:
VRK1-related disorder. Also called: VRK1-related condition.
Congenital pontocerebellar hypoplasia type 1. Also called: Pontocerebellar hypoplasia type 1. Identifiers: Orphanet 2254, MedGen C5442006, MONDO:0016396.
Pontocerebellar hypoplasia type 1A (PCH1A). Also called: PONTOCEREBELLAR HYPOPLASIA WITH ANTERIOR HORN CELL DISEASE; PONTOCEREBELLAR HYPOPLASIA WITH INFANTILE SPINAL MUSCULAR ATROPHY. Identifiers: Orphanet 2254, Orphanet 88616, MedGen C1843504, MONDO:0011866, OMIM 607596.

Allele frequency attached by ClinVar (database versions not stated): TOPMed 0.00002; gnomAD 0.00003.
gnomAD v4.1: 62 of 1,611,990 alleles (0.0038%); highest among the groups gnomAD compares: Non-Finnish European, 0.0049%; no homozygotes.

Submissions (5):

Labcorp Genetics (formerly Invitae), Labcorp
Classification: Likely benign for Pontocerebellar hypoplasia type 1A. Last evaluated: 2026-01-19. Review status: criteria provided, single submitter. Criteria: Invitae Variant Classification Sherloc (09022015). Collection method: clinical testing. Allele origin: germline.

PreventionGenetics, part of Exact Sciences
Classification: Likely benign for VRK1-related condition. Last evaluated: 2025-07-08. Review status: criteria provided, single submitter. Criteria: ACMG Guidelines, 2015. Collection method: clinical testing. Allele origin: germline.
Comment: This variant is classified as likely benign based on ACMG/AMP sequence variant interpretation guidelines (Richards et al. 2015 PMID: 25741868, with internal and published modifications).

CeGaT Center for Human Genetics Tuebingen
Classification: Likely benign. Last evaluated: 2024-01-01. Review status: criteria provided, single submitter. Criteria: CeGaT Center For Human Genetics Tuebingen Variant Classification Criteria Version 2. Collection method: clinical testing. Allele origin: germline. Affected: yes. Observed: 1 variant allele.
Comment: VRK1: BP4, BP7

Illumina Laboratory Services, Illumina
Classification: Uncertain significance for Pontocerebellar hypoplasia type 1A. Last evaluated: 2018-01-13. Review status: criteria provided, single submitter. Criteria: ICSL Variant Classification Criteria 13 December 2019. Collection method: clinical testing. Allele origin: germline.

Natera, Inc.
Classification: Uncertain significance for Pontocerebellar hypoplasia type 1. Last evaluated: 2020-04-18. Review status: no assertion criteria provided. Collection method: clinical testing. Allele origin: germline. Not counted in ClinVar's aggregate classification.